The following is an entry in ClinVar:

NM_004706.4(ARHGEF1):c.1472A>G (p.Glu491Gly)

Gene: ARHGEF1 (Rho guanine nucleotide exchange factor 1; plus strand). Cytogenetic location: 19q13.2.
Variant type: single nucleotide variant.
Coding change: c.1472A>G on transcript NM_004706.4 (MANE Select); coding-DNA position 1472, A replaced by G.
Protein change: p.Glu491Gly; replaces glutamic acid 491 with glycine.
Molecular consequence: missense variant.
Genome position (GRCh38, 1-based): chr19:41,902,331, A>G. VCF-style: chr19-41902331-A-G. GRCh37 (hg19) VCF-style: chr19-42406481-A-G.
Other names: c.1373A>G, p.Glu458Gly (NM_198977.2); c.1517A>G, p.Glu506Gly (NM_199002.2); short protein forms E458G, E506G, E491G.
Identifiers: ClinVar variation 1389811 (VCV001389811.6), dbSNP rs1400359357, ClinGen allele CA406060993.

ClinVar aggregate classification (germline): Uncertain significance (1 of 4 stars; one submission).

Submission:

Labcorp Genetics (formerly Invitae), Labcorp
Classification: Uncertain significance. Last evaluated: 2021-10-28. Review status: criteria provided, single submitter. Criteria: Invitae Variant Classification Sherloc (09022015). Collection method: clinical testing. Allele origin: germline.
Comment: In summary, the available evidence is currently insufficient to determine the role of this variant in disease. Therefore, it has been classified as a Variant of Uncertain Significance. Algorithms developed to predict the effect of missense changes on protein structure and function are either unavailable or do not agree on the potential impact of this missense change (SIFT: "Deleterious"; PolyPhen-2: "Benign"; Align-GVGD: "Class C0"). This variant has not been reported in the literature in individuals affected with ARHGEF1-related conditions. This variant is not present in population databases (gnomAD no frequency). This sequence change replaces glutamic acid, which is acidic and polar, with glycine, which is neutral and non-polar, at codon 506 of the ARHGEF1 protein (p.Glu506Gly).